The following is an entry in ClinVar:

NM_000520.6(HEXA):c.440G>A (p.Trp147Ter)

Gene: HEXA (hexosaminidase subunit alpha; minus strand). Cytogenetic location: 15q23.
Variant type: single nucleotide variant.
Coding change: c.440G>A on transcript NM_000520.6 (MANE Select); coding-DNA position 440, G replaced by A.
Protein change: p.Trp147Ter; replaces tryptophan 147 with a stop codon.
Molecular consequence: nonsense. On other transcripts: non-coding transcript variant (1).
Genome position (GRCh38, 1-based): chr15:72,353,710, C>T on the plus strand (G>A on the coding strand, the complement: HEXA is on the minus strand). VCF-style: chr15-72353710-C-T. GRCh37 (hg19) VCF-style: chr15-72646051-C-T.
Other names: c.440G>A (NM_000520.5); c.473G>A, p.Trp158Ter (NM_001318825.2); short protein forms W158*, W147*.
Identifiers: ClinVar variation 4732663 (VCV004732663.2).

ClinVar aggregate classification (germline): Pathogenic/Likely pathogenic. Review status: criteria provided, multiple submitters, no conflicts (2 of 4 stars). 2 submissions from 2 submitters: Pathogenic (1); Likely pathogenic (1). Last evaluated 2025-12-09.

Conditions:
Tay-Sachs disease (TSD). Also called: HEXA Disorders; HEXA DEFICIENCY; GM2 gangliosidosis, type 1; Hexosaminidase alpha-subunit deficiency (variant B); Sphingolipidosis, Tay-Sachs; Hexosaminidase A Deficiency. Identifiers: Orphanet 845, MedGen C0039373, MONDO:0010100, OMIM 272800.

Submissions (2):

Labcorp Genetics (formerly Invitae), Labcorp
Classification: Pathogenic for Tay-Sachs disease. Last evaluated: 2025-12-09. Review status: criteria provided, single submitter. Criteria: Invitae Variant Classification Sherloc (09022015). Collection method: clinical testing. Allele origin: germline.
Comment: This sequence change creates a premature translational stop signal (p.Trp147*) in the HEXA gene. It is expected to result in an absent or disrupted protein product. Loss-of-function variants in HEXA are known to be pathogenic (PMID: 1833974, 8490625). This variant is not present in population databases (gnomAD no frequency). This variant has not been reported in the literature in individuals affected with HEXA-related conditions. Algorithms developed to predict the effect of sequence changes on RNA splicing suggest that this variant may disrupt the consensus splice site. For these reasons, this variant has been classified as Pathogenic.

Natera, Inc.
Classification: Likely pathogenic for Tay-Sachs disease. Last evaluated: 2025-09-01. Review status: criteria provided, single submitter. Criteria: Natera Variant Classification Schema (03/2026). Collection method: clinical testing. Allele origin: germline.
Comment: The c.440G>A variant in HEXA is a nonsense variant predicted to introduce a stop codon at amino acid 147. This variant is expected to result in nonsense mediated decay, truncation, or a dysfunctional protein product. This variant is rare in the general population with a frequency below the threshold expected for the associated phenotype(s). Given the available evidence, this variant is classified as Likely Pathogenic.

Literature cited by the submitters: PubMed 1833974 (cited by Labcorp Genetics (formerly Invitae), Labcorp); PubMed 8490625 (cited by Labcorp Genetics (formerly Invitae), Labcorp).